The following is an entry in ClinVar:

ClinVar aggregate classification (germline): Uncertain significance. Review status: criteria provided, multiple submitters, no conflicts (2 of 4 stars). 2 submissions from 2 submitters: Uncertain significance (2). Last evaluated 2024-08-19.

Conditions:
Inborn genetic diseases. Identifiers: MedGen C0950123, MeSH D030342.

Allele frequency attached by ClinVar (database versions not stated): gnomAD 0.00002; TOPMed 0.00013.
gnomAD v4.1: 10 of 1,583,856 alleles (0.00063%); highest among the groups gnomAD compares: Admixed American, 0.0069%; no homozygotes.

Submissions (2):

Ambry Genetics
Classification: Uncertain significance for Inborn genetic diseases. Last evaluated: 2024-08-19. Review status: criteria provided, single submitter. Criteria: Ambry Variant Classification Scheme 2023. Collection method: clinical testing. Allele origin: germline.

Labcorp Genetics (formerly Invitae), Labcorp
Classification: Uncertain significance. Last evaluated: 2022-07-19. Review status: criteria provided, single submitter. Criteria: Invitae Variant Classification Sherloc (09022015). Collection method: clinical testing. Allele origin: germline.
Comment: This sequence change replaces alanine, which is neutral and non-polar, with valine, which is neutral and non-polar, at codon 816 of the ARHGEF18 protein (p.Ala816Val). This variant is not present in population databases (gnomAD no frequency). This variant has not been reported in the literature in individuals affected with ARHGEF18-related conditions. ClinVar contains an entry for this variant (Variation ID: 852478). Algorithms developed to predict the effect of missense changes on protein structure and function output the following: SIFT: "Tolerated"; PolyPhen-2: "Benign"; Align-GVGD: "Class C0". The valine amino acid residue is found in multiple mammalian species, which suggests that this missense change does not adversely affect protein function. Algorithms developed to predict the effect of sequence changes on RNA splicing suggest that this variant may create or strengthen a splice site. In summary, the available evidence is currently insufficient to determine the role of this variant in disease. Therefore, it has been classified as a Variant of Uncertain Significance.

NM_001367823.1(ARHGEF18):c.3011C>T (p.Ala1004Val)

Gene: ARHGEF18 (Rho/Rac guanine nucleotide exchange factor 18; plus strand). Cytogenetic location: 19p13.2.
Variant type: single nucleotide variant.
Coding change: c.3011C>T on transcript NM_001367823.1 (MANE Select); coding-DNA position 3011, C replaced by T.
Protein change: p.Ala1004Val; replaces alanine 1004 with valine.
Molecular consequence: missense variant.
Genome position (GRCh38, 1-based): chr19:7,467,215, C>T. VCF-style: chr19-7467215-C-T. GRCh37 (hg19) VCF-style: chr19-7532101-C-T.
Other names: c.2285C>T, p.Ala762Val (NM_001130955.2); c.1973C>T, p.Ala658Val (NM_001367824.1, NM_015318.4); short protein forms A762V, A658V, A1004V.
Identifiers: ClinVar variation 852478 (VCV000852478.9), dbSNP rs971600851, ClinGen allele CA304856341.